The following is an entry in ClinVar:

ClinVar aggregate classification (germline): Uncertain significance (1 of 4 stars; one submission).

gnomAD v4.1: 1 of 1,614,200 alleles (0.000062%); no homozygotes.

Submission:

Ambry Genetics
Classification: Uncertain significance. Last evaluated: 2024-02-29. Review status: criteria provided, single submitter. Criteria: Ambry Variant Classification Scheme 2023. Collection method: clinical testing. Allele origin: germline.
Comment: The p.E1038K variant (also known as c.3112G>A), located in coding exon 4 of the ALPK2 gene, results from a G to A substitution at nucleotide position 3112. The glutamic acid at codon 1038 is replaced by lysine, an amino acid with similar properties. This amino acid position is conserved. In addition, this alteration is predicted to be tolerated by in silico analysis. Based on the available evidence, the clinical significance of this alteration remains unclear.

NM_052947.4(ALPK2):c.3112G>A (p.Glu1038Lys)

Gene: ALPK2 (alpha kinase 2; minus strand). Cytogenetic location: 18q21.31.
Variant type: single nucleotide variant.
Coding change: c.3112G>A on transcript NM_052947.4 (MANE Select); coding-DNA position 3112, G replaced by A.
Protein change: p.Glu1038Lys; replaces glutamic acid 1038 with lysine.
Molecular consequence: missense variant.
Genome position (GRCh38, 1-based): chr18:58,537,075, C>T on the plus strand (G>A on the coding strand, the complement: ALPK2 is on the minus strand). VCF-style: chr18-58537075-C-T. GRCh37 (hg19) VCF-style: chr18-56204307-C-T.
Other names: short protein forms E1038K.
Identifiers: ClinVar variation 3228674 (VCV003228674.1), dbSNP rs2518876882, ClinGen allele CA402569081.